The following is an entry in ClinVar:

NM_001082486.2(ACD):c.575G>T (p.Cys192Phe)

Gene: ACD (ACD shelterin complex subunit and telomerase recruitment factor; minus strand). Cytogenetic location: 16q22.1.
Variant type: single nucleotide variant.
Coding change: c.575G>T on transcript NM_001082486.2 (MANE Select); coding-DNA position 575, G replaced by T.
Protein change: p.Cys192Phe; replaces cysteine 192 with phenylalanine.
Molecular consequence: missense variant.
Genome position (GRCh38, 1-based): chr16:67,658,998, C>A on the plus strand (G>T on the coding strand, the complement: ACD is on the minus strand). VCF-style: chr16-67658998-C-A. GRCh37 (hg19) VCF-style: chr16-67692901-C-A.
Other names: c.575G>T, p.Cys192Phe (NM_001410884.1); c.566G>T, p.Cys189Phe (NM_022914.3); short protein forms C192F, C189F.
Identifiers: ClinVar variation 3479091 (VCV003479091.1).

ClinVar aggregate classification (germline): Uncertain significance (1 of 4 stars; one submission).

Conditions:
Inborn genetic diseases. Identifiers: MedGen C0950123, MeSH D030342.

Submission:

Ambry Genetics
Classification: Uncertain significance for Inborn genetic diseases. Last evaluated: 2024-10-26. Review status: criteria provided, single submitter. Criteria: Ambry Variant Classification Scheme 2023. Collection method: clinical testing. Allele origin: germline.
Comment: The p.C278F variant (also known as c.833G>T), located in coding exon 7 of the ACD gene, results from a G to T substitution at nucleotide position 833. The cysteine at codon 278 is replaced by phenylalanine, an amino acid with highly dissimilar properties. This amino acid position is conserved. In addition, this alteration is predicted to be deleterious by in silico analysis. Based on the available evidence, the clinical significance of this variant remains unclear.